The following is an entry in ClinVar:

ClinVar aggregate classification (germline): Uncertain significance. Review status: criteria provided, multiple submitters, no conflicts (2 of 4 stars). 2 submissions from 2 submitters: Uncertain significance (2). Last evaluated 2025-08-30.

Conditions:
Familial thoracic aortic aneurysm and aortic dissection (TAAD). Also called: Thoracic aortic aneurysms and dissections. Identifiers: Orphanet 91387, MedGen C4707243, MONDO:0019625.

Allele frequency attached by ClinVar (database versions not stated): gnomAD exomes below 0.00001.
gnomAD v4.1: 1 of 1,614,118 alleles (0.000062%); highest among the groups gnomAD compares: Admixed American, 0.0017%; no homozygotes.

Submissions (2):

Color Diagnostics, LLC DBA Color Health
Classification: Uncertain significance for Familial thoracic aortic aneurysm and aortic dissection. Last evaluated: 2025-08-30. Review status: criteria provided, single submitter. Criteria: ACMG Guidelines, 2015. Collection method: clinical testing. Allele origin: germline.
Comment: This missense variant replaces glutamic acid with aspartic acid at codon 966 of the FBN1 protein. Computational prediction suggests that this variant may not impact protein structure and function. To our knowledge, functional studies have not been reported for this variant. This variant has not been reported in individuals affected with FBN1-related disorders in the literature. This variant has not been identified in the general population by the Genome Aggregation Database (gnomAD). The available evidence is insufficient to determine the role of this variant in disease conclusively. Therefore, this variant is classified as a Variant of Uncertain Significance.

Ambry Genetics
Classification: Uncertain significance for Familial thoracic aortic aneurysm and aortic dissection. Last evaluated: 2017-08-18. Review status: criteria provided, single submitter. Criteria: Ambry Variant Classification Scheme 2023. Collection method: clinical testing. Allele origin: germline.
Comment: The p.E966D variant (also known as c.2898G>C), located in coding exon 24 of the FBN1 gene, results from a G to C substitution at nucleotide position 2898. The glutamic acid at codon 966 is replaced by aspartic acid, an amino acid with highly similar properties. This amino acid position is not well conserved in available vertebrate species. In addition, this alteration is predicted to be tolerated by in silico analysis. Since supporting evidence is limited at this time, the clinical significance of this alteration remains unclear.

NM_000138.5(FBN1):c.2898G>C (p.Glu966Asp)

Gene: FBN1 (fibrillin 1; minus strand). Cytogenetic location: 15q21.1.
Variant type: single nucleotide variant.
Coding change: c.2898G>C on transcript NM_000138.5 (MANE Select); coding-DNA position 2898, G replaced by C.
Protein change: p.Glu966Asp; replaces glutamic acid 966 with aspartic acid.
Molecular consequence: missense variant.
Genome position (GRCh38, 1-based): chr15:48,490,035, C>G on the plus strand (G>C on the coding strand, the complement: FBN1 is on the minus strand). VCF-style: chr15-48490035-C-G. GRCh37 (hg19) VCF-style: chr15-48782232-C-G.
Other names: short protein forms E966D.
Identifiers: ClinVar variation 519785 (VCV000519785.6), dbSNP rs1555398829, ClinGen allele CA392329938.
Genomic context (GRCh38, chr15:48,490,035, plus strand): 5'-TGCCCCGACGGAGCAGCAGCAGGCGTCCATGCGGTGGCGGCCAGCAATAGGCAGGGTGCA[C>G]TCCTCGTCCTCGTACCTCAGGAAGCAGGTTTCCAGGCGGATATCTGTCAGAGGGAATCAA-3'
Protein context (NP_000129.3, residues 956-976): ETCFLRYEDE[Glu966Asp]CTLPIAGRHR